The following is an entry in ClinVar:

ClinVar aggregate classification (germline): Uncertain significance. Review status: criteria provided, multiple submitters, no conflicts (2 of 4 stars). 2 submissions from 2 submitters: Uncertain significance (2). Last evaluated 2023-07-07.

Conditions:
Familial acute necrotizing encephalopathy (IIAE3). Also called: ENCEPHALOPATHY, ACUTE, INFECTION-INDUCED, SUSCEPTIBILITY TO, 3; Susceptibility to Acute Necrotizing Encephalopathy 1. Identifiers: Orphanet 88619, MedGen C2675556, MONDO:0011953, OMIM 608033.

Allele frequency attached by ClinVar (database versions not stated): gnomAD 0.00004 and 0.00009; gnomAD exomes 0.00006; ExAC 0.00007; ESP Exome Variant Server 0.00008; TOPMed 0.00009; 1000 Genomes Project 30x 0.00016; 1000 Genomes Project 0.00020.
gnomAD v4.1: 78 of 1,614,188 alleles (0.0048%); highest among the groups gnomAD compares: Middle Eastern, 0.099%; no homozygotes.

Submissions (2):

Labcorp Genetics (formerly Invitae), Labcorp
Classification: Uncertain significance for Familial acute necrotizing encephalopathy. Last evaluated: 2023-07-07. Review status: criteria provided, single submitter. Criteria: Invitae Variant Classification Sherloc (09022015). Collection method: clinical testing. Allele origin: germline.
Comment: ClinVar contains an entry for this variant (Variation ID: 953226). This sequence change replaces serine, which is neutral and polar, with leucine, which is neutral and non-polar, at codon 3053 of the RANBP2 protein (p.Ser3053Leu). This variant is present in population databases (rs200863740, gnomAD 0.01%). This variant has not been reported in the literature in individuals affected with RANBP2-related conditions. Advanced modeling of protein sequence and biophysical properties (such as structural, functional, and spatial information, amino acid conservation, physicochemical variation, residue mobility, and thermodynamic stability) performed at Invitae indicates that this missense variant is not expected to disrupt RANBP2 protein function. In summary, the available evidence is currently insufficient to determine the role of this variant in disease. Therefore, it has been classified as a Variant of Uncertain Significance.

Ambry Genetics
Classification: Uncertain significance. Last evaluated: 2021-10-06. Review status: criteria provided, single submitter. Criteria: Ambry Variant Classification Scheme 2023. Collection method: clinical testing. Allele origin: germline.

NM_006267.5(RANBP2):c.9158C>T (p.Ser3053Leu)

Gene: RANBP2 (RAN binding protein 2; plus strand). Cytogenetic location: 2q13.
Variant type: single nucleotide variant.
Coding change: c.9158C>T on transcript NM_006267.5 (MANE Select); coding-DNA position 9158, C replaced by T.
Protein change: p.Ser3053Leu; replaces serine 3053 with leucine.
Molecular consequence: missense variant.
Genome position (GRCh38, 1-based): chr2:108,782,651, C>T. VCF-style: chr2-108782651-C-T. GRCh37 (hg19) VCF-style: chr2-109399107-C-T.
Other names: short protein forms S3053L.
Identifiers: ClinVar variation 953226 (VCV000953226.12), dbSNP rs200863740, ClinGen allele CA1823979.
Genomic context (GRCh38, chr2:108,782,651, plus strand): 5'-TCAAGAAAACATTTGAAGAATGTCAGCAGAATTTAATGAAACTCCAGAAAGGACATGTAT[C>T]ACTGGCAGCAGAATTATCAAAGGAGACCAATCCTGTGGTGTTTTTTGATGTTTGTGCGGA-3'
Protein context (NP_006258.3, residues 3043-3063): NLMKLQKGHV[Ser3053Leu]LAAELSKETN